The following is an entry in ClinVar:

NM_000321.3(RB1):c.625G>A (p.Glu209Lys)

Gene: RB1 (RB transcriptional corepressor 1; plus strand). Cytogenetic location: 13q14.2.
Variant type: single nucleotide variant.
Coding change: c.625G>A on transcript NM_000321.3 (MANE Select); coding-DNA position 625, G replaced by A.
Protein change: p.Glu209Lys; replaces glutamic acid 209 with lysine.
Molecular consequence: missense variant.
Genome position (GRCh38, 1-based): chr13:48,360,034, G>A. VCF-style: chr13-48360034-G-A. GRCh37 (hg19) VCF-style: chr13-48934170-G-A.
Other names: c.625G>A, p.Glu209Lys (NM_001407165.1, NM_001407166.1); short protein forms E209K.
Identifiers: ClinVar variation 4863028 (VCV004863028.1).

ClinVar aggregate classification (germline): Uncertain significance (1 of 4 stars; one submission).

Conditions:
Hereditary cancer-predisposing syndrome. Also called: Neoplastic Syndromes, Hereditary; Tumor predisposition; Hereditary Cancer Syndrome; Hereditary neoplastic syndrome. Identifiers: Orphanet 140162, MedGen C0027672, MeSH D009386, MONDO:0015356.

Submission:

Ambry Genetics
Classification: Uncertain significance for Hereditary cancer-predisposing syndrome. Last evaluated: 2026-05-14. Review status: criteria provided, single submitter. Criteria: Ambry Variant Classification Scheme 2023. Collection method: clinical testing. Allele origin: germline.
Comment: The p.E209K variant (also known as c.625G>A), located in coding exon 7 of the RB1 gene, results from a G to A substitution at nucleotide position 625. The glutamic acid at codon 209 is replaced by lysine, an amino acid with similar properties. This amino acid position is conserved. In addition, the in silico prediction for this alteration is inconclusive. Based on the available evidence, the clinical significance of this variant remains unclear.